The following is an entry in ClinVar:

NM_024675.4(PALB2):c.2566C>G (p.Gln856Glu)

Gene: PALB2 (partner and localizer of BRCA2; minus strand). Cytogenetic location: 16p12.2.
Variant type: single nucleotide variant.
Coding change: c.2566C>G on transcript NM_024675.4 (MANE Select); coding-DNA position 2566, C replaced by G.
Protein change: p.Gln856Glu; replaces glutamine 856 with glutamic acid.
Molecular consequence: missense variant.
Genome position (GRCh38, 1-based): chr16:23,629,224, G>C on the plus strand (C>G on the coding strand, the complement: PALB2 is on the minus strand). VCF-style: chr16-23629224-G-C. GRCh37 (hg19) VCF-style: chr16-23640545-G-C.
Other names: c.2566C>G (NM_024675.3); short protein forms Q856E.
Identifiers: ClinVar variation 1037908 (VCV001037908.11), dbSNP rs770996884, ClinGen allele CA395123721.

ClinVar aggregate classification (germline): Conflicting classifications of pathogenicity. Review status: criteria provided, conflicting classifications (1 of 4 stars). 2 submissions from 2 submitters: Uncertain significance (1); Likely benign (1). Last evaluated 2025-11-20.

Conditions:
Hereditary cancer-predisposing syndrome. Also called: Neoplastic Syndromes, Hereditary; Hereditary Cancer Syndrome; Tumor predisposition; Hereditary neoplastic syndrome. Identifiers: Orphanet 140162, MedGen C0027672, MeSH D009386, MONDO:0015356.
Familial cancer of breast. Also called: hereditary breast carcinoma; Hereditary breast cancer; BREAST CANCER, FAMILIAL. Identifiers: Orphanet 227535, MedGen C0346153, MONDO:0016419, OMIM 114480. Disease mechanism: loss of function.

Submissions (2):

Ambry Genetics
Classification: Likely benign for Hereditary cancer-predisposing syndrome. Last evaluated: 2025-11-20. Review status: criteria provided, single submitter. Criteria: Ambry Variant Classification Scheme 2023. Collection method: clinical testing. Allele origin: germline.

Labcorp Genetics (formerly Invitae), Labcorp
Classification: Uncertain significance for Familial cancer of breast. Last evaluated: 2025-04-10. Review status: criteria provided, single submitter. Criteria: Invitae Variant Classification Sherloc (09022015). Collection method: clinical testing. Allele origin: germline.
Comment: This sequence change replaces glutamine, which is neutral and polar, with glutamic acid, which is acidic and polar, at codon 856 of the PALB2 protein (p.Gln856Glu). This variant is not present in population databases (gnomAD no frequency). This variant has not been reported in the literature in individuals affected with PALB2-related conditions. ClinVar contains an entry for this variant (Variation ID: 1037908). Invitae Evidence Modeling of protein sequence and biophysical properties (such as structural, functional, and spatial information, amino acid conservation, physicochemical variation, residue mobility, and thermodynamic stability) has been performed for this missense variant. However, the output from this modeling did not meet the statistical confidence thresholds required to predict the impact of this variant on PALB2 protein function. In summary, the available evidence is currently insufficient to determine the role of this variant in disease. Therefore, it has been classified as a Variant of Uncertain Significance.